The following is an entry in ClinVar:

ClinVar aggregate classification (germline): Pathogenic (1 of 4 stars; one submission).

Submission:

Quest Diagnostics Nichols Institute San Juan Capistrano
Classification: Pathogenic. Last evaluated: 2023-02-02. Review status: criteria provided, single submitter. Criteria: ACMG/ClinGen CNV Guidelines, 2019. Collection method: clinical testing. Allele origin: unknown.
Comment: This gain contains numerous protein-coding genes, including multiple genes associated with X-linked disorders. Haploinsufficiency and triplosensitivity of PLP1 is associated with Pelizaeus-Merzbacher disease (PMD; OMIM 312080, Rehm 2015, Bertoli-Avella 2021). Duplications involving Xq22 have been identified in females with a milder phenotype (Carvalho 2012, Masliah-Planchon 2015, Willemsen 2012). There are no similar copy number gains of this region in the general populations of the Database of Genomic Variants. Thus, based on current medical literature and gene content, this copy number variant (CNV) is classified as pathogenic, though clinical presentation in a female is likely dependent upon X-inactivation status. References: Bertoli-Avella et al., Eur J Hum Genet. 2021 Jan;29(1):141-153. PMID: 32860008 Carvalho et al., Clin Genet. 2012 Jun;81(6):532-41. PMID: 21623770 Masliah-Planchon et al., BMC Med Genet. 2015 Sep 2;16:77. PMID: 26329556 Rehm et al., N Engl J Med. 2015 Jun 4;372(23):2235-42. PMID: 26014595 Willemsen et al., Eur J Med Genet. 2012 Nov;55(11):586-98. PMID: 22796527

GRCh37/hg19 Xq21.33-22.3(chrX:96349060-106950847)x3

Genes: ARL13A (ARF like GTPase 13A; plus strand), ARMCX1 (armadillo repeat containing X-linked 1; plus strand), ARMCX2 (armadillo repeat containing X-linked 2; minus strand), ARMCX3 (armadillo repeat containing X-linked 3; plus strand), ARMCX3-AS1 (ARMCX3 antisense RNA 1) and 77 more. Cytogenetic location: Xq21.33-22.3.
Variant type: copy number gain.
Change: copy number 3 of chrX:96,349,060-106,950,847 (10.60 Mb, GRCh37 coordinates, 1-based), cytogenetic band Xq21.33-22.3.
Identifiers: ClinVar variation 2685000 (VCV002685000.1).